The following is an entry in ClinVar:

NM_001242896.3(DEPDC5):c.280G>T (p.Asp94Tyr)

Gene: DEPDC5 (DEP domain containing 5, GATOR1 subcomplex subunit; plus strand). Cytogenetic location: 22q12.2.
Variant type: single nucleotide variant.
Coding change: c.280G>T on transcript NM_001242896.3 (MANE Select); coding-DNA position 280, G replaced by T.
Protein change: p.Asp94Tyr; replaces aspartic acid 94 with tyrosine.
Molecular consequence: missense variant. On other transcripts: non-coding transcript variant (5), intron variant (2).
Genome position (GRCh38, 1-based): chr22:31,766,585, G>T. VCF-style: chr22-31766585-G-T. GRCh37 (hg19) VCF-style: chr22-32162571-G-T.
Other names: c.280G>T, p.Asp94Tyr (NM_001007188.4, NM_001136029.4, NM_001242897.2 and 7 more transcripts); c.279+1525G>T (NM_001369902.1, NM_001369901.1); short protein forms D94Y.
Identifiers: ClinVar variation 1023818 (VCV001023818.8), dbSNP rs2082839289, ClinGen allele CA411282211.

ClinVar aggregate classification (germline): Uncertain significance (1 of 4 stars; one submission).

Conditions:
Familial focal epilepsy with variable foci (FPEVF). Identifiers: Orphanet 98820, MedGen C1858477, MONDO:0020310.

gnomAD v4.1: 1 of 1,613,612 alleles (0.000062%); highest among the groups gnomAD compares: Non-Finnish European, 0.000085%; no homozygotes.

Submission:

Labcorp Genetics (formerly Invitae), Labcorp
Classification: Uncertain significance for Familial focal epilepsy with variable foci. Last evaluated: 2020-09-01. Review status: criteria provided, single submitter. Criteria: Invitae Variant Classification Sherloc (09022015). Collection method: clinical testing. Allele origin: germline.
Comment: In summary, the available evidence is currently insufficient to determine the role of this variant in disease. Therefore, it has been classified as a Variant of Uncertain Significance. Algorithms developed to predict the effect of sequence changes on RNA splicing suggest that this variant may disrupt the consensus splice site, but this prediction has not been confirmed by published transcriptional studies. Algorithms developed to predict the effect of missense changes on protein structure and function are either unavailable or do not agree on the potential impact of this missense change (SIFT: "Deleterious"; PolyPhen-2: "Not Available"; Align-GVGD: "Class C15"). This variant has not been reported in the literature in individuals with DEPDC5-related conditions. This variant is not present in population databases (ExAC no frequency). This sequence change replaces aspartic acid with tyrosine at codon 94 of the DEPDC5 protein (p.Asp94Tyr). The aspartic acid residue is highly conserved and there is a large physicochemical difference between aspartic acid and tyrosine.